The following is an entry in ClinVar:

NM_002003.5(FCN1):c.382C>T (p.Leu128=)

Gene: FCN1 (ficolin 1; minus strand). Cytogenetic location: 9q34.3.
Variant type: single nucleotide variant.
Coding change: c.382C>T on transcript NM_002003.5 (MANE Select); coding-DNA position 382, C replaced by T.
Protein change: p.Leu128=; no amino-acid change (leucine 128 retained).
Molecular consequence: synonymous variant.
Genome position (GRCh38, 1-based): chr9:134,913,102, G>A on the plus strand (C>T on the coding strand, the complement: FCN1 is on the minus strand). VCF-style: chr9-134913102-G-A. GRCh37 (hg19) VCF-style: chr9-137804948-G-A.
Identifiers: ClinVar variation 2659706 (VCV002659706.25), dbSNP rs567374277, ClinGen allele CA5321713.

ClinVar aggregate classification (germline): Likely benign. Review status: criteria provided, multiple submitters, no conflicts (2 of 4 stars). 2 submissions from 2 submitters: Likely benign (2). Last evaluated 2024-03-05.

Allele frequency attached by ClinVar (database versions not stated): TOPMed 0.00002; gnomAD 0.00007; gnomAD exomes 0.00018; ExAC 0.00043; 1000 Genomes Project 30x 0.00094; 1000 Genomes Project 0.00100.
gnomAD v4.1: 260 of 1,614,012 alleles (0.016%); highest among the groups gnomAD compares: South Asian, 0.28%; 3 homozygotes.

Submissions (2):

Blueprint Genetics
Classification: Likely benign. Last evaluated: 2024-03-05. Review status: criteria provided, single submitter. Criteria: ACMG Guidelines, 2015. Collection method: clinical testing. Allele origin: germline.

CeGaT Center for Human Genetics Tuebingen
Classification: Likely benign. Last evaluated: 2022-07-01. Review status: criteria provided, single submitter. Criteria: CeGaT Center For Human Genetics Tuebingen Variant Classification Criteria Version 2. Collection method: clinical testing. Allele origin: germline. Affected: yes. Observed: 1 variant allele.
Comment: FCN1: BP4, BP7